The following is an entry in ClinVar:

NM_001089.3(ABCA3):c.1755del (p.Thr586fs)

Gene: ABCA3 (ATP binding cassette subfamily A member 3; minus strand). Cytogenetic location: 16p13.3.
Variant type: Deletion.
Coding change: c.1755del on transcript NM_001089.3 (MANE Select); coding-DNA position 1755, one base deleted (C; older notation c.1755delC).
Protein change: p.Thr586fs; shifts the reading frame from threonine 586.
Molecular consequence: frameshift variant.
Genome position (GRCh38, 1-based): chr16:2,298,527, G deleted on the plus strand (C on the coding strand, the reverse complement: ABCA3 is on the minus strand); the first of 6 consecutive G bases (chr16:2,298,527-2,298,532); deleting any one gives the same sequence. VCF-style (leftmost placement, unchanged base first): chr16-2298526-TG-T. GRCh37 (hg19) VCF-style: chr16-2348527-TG-T.
Other names: short protein forms T586fs.
Identifiers: ClinVar variation 2736310 (VCV002736310.3), dbSNP rs2505642538, ClinGen allele CA2575882730.

ClinVar aggregate classification (germline): Pathogenic (1 of 4 stars; one submission).

Submission:

Labcorp Genetics (formerly Invitae), Labcorp
Classification: Pathogenic. Last evaluated: 2024-01-02. Review status: criteria provided, single submitter. Criteria: Invitae Variant Classification Sherloc (09022015). Collection method: clinical testing. Allele origin: germline.
Comment: This sequence change creates a premature translational stop signal (p.Thr586Profs*36) in the ABCA3 gene. It is expected to result in an absent or disrupted protein product. Loss-of-function variants in ABCA3 are known to be pathogenic (PMID: 27516224). This variant is not present in population databases (gnomAD no frequency). This premature translational stop signal has been observed in individual(s) with autosomal recessive ABCA3-related conditions (PMID: 31081264). In at least one individual the data is consistent with being in trans (on the opposite chromosome) from a pathogenic variant. For these reasons, this variant has been classified as Pathogenic.

Literature cited by the submitters: PubMed 27516224; PubMed 31081264.